The following is an entry in ClinVar:

NM_001370298.3(FGD4):c.1954-8T>C

Gene: FGD4 (FYVE, RhoGEF and PH domain containing 4; plus strand). Cytogenetic location: 12p11.21.
Variant type: single nucleotide variant.
Coding change: c.1954-8T>C on transcript NM_001370298.3 (MANE Select); 8 bases into the intron before coding-DNA position 1954, T replaced by C.
Molecular consequence: intron variant.
Genome position (GRCh38, 1-based): chr12:32,624,968, T>C. VCF-style: chr12-32624968-T-C. GRCh37 (hg19) VCF-style: chr12-32777902-T-C.
Other names: p.?; c.1954-8T>C (NM_001384126.1); c.1798-8T>C (NM_001304481.2); c.1264-8T>C (NM_001330374.2, NM_001330373.2, NM_001384130.1); c.1543-8T>C (NM_139241.3, NM_001384127.1, NM_001385118.1 and 1 more transcripts); c.511-8T>C (NM_001304484.2); c.991-8T>C (NM_001370297.1); c.799-8T>C (NM_001304483.2).
Identifiers: ClinVar variation 224946 (VCV000224946.27), dbSNP rs115061722, ClinGen allele CA6506951.

ClinVar aggregate classification (germline): Benign/Likely benign. Review status: criteria provided, multiple submitters, no conflicts (2 of 4 stars). 8 submissions from 8 submitters: Benign (6); Likely benign (2). Last evaluated 2026-01-26.

Conditions:
Charcot-Marie-Tooth disease type 4H (CMT4H). Also called: CHARCOT-MARIE-TOOTH DISEASE, AUTOSOMAL RECESSIVE, TYPE 4H; CHARCOT-MARIE-TOOTH DISEASE, DEMYELINATING, AUTOSOMAL RECESSIVE, TYPE 4H; CHARCOT-MARIE-TOOTH NEUROPATHY, TYPE 4H; CHARCOT-MARIE-TOOTH DISEASE, DEMYELINATING, TYPE 4H. Identifiers: Orphanet 99954, MedGen C1836336, MONDO:0012250, OMIM 609311.
Charcot-Marie-Tooth disease. Also called: Charcot-Marie-Tooth Hereditary Neuropathy; Charcot-Marie-Tooth Neuropathy. Identifiers: Orphanet 166, MedGen C0007959, MONDO:0015626.
Charcot-Marie-Tooth disease type 4. Also called: Charcot-Marie-Tooth disease, type IV; Charcot-Marie-Tooth, Type 4. Identifiers: Orphanet 64749, MedGen C4082197, MONDO:0018995.

Allele frequency attached by ClinVar (database versions not stated): gnomAD exomes 0.00123 and 0.00360; ExAC 0.00468; gnomAD 0.01365 and 0.01466; 1000 Genomes Project 0.01438; TOPMed 0.01488; 1000 Genomes Project 30x 0.01530; ESP Exome Variant Server 0.01545.
gnomAD v4.1: 3,957 of 1,611,812 alleles (0.25%); highest among the groups gnomAD compares: African/African-American, 4.7%; 80 homozygotes.

Submissions (8):

Labcorp Genetics (formerly Invitae), Labcorp
Classification: Benign for Charcot-Marie-Tooth disease type 4. Last evaluated: 2026-01-26. Review status: criteria provided, single submitter. Criteria: Invitae Variant Classification Sherloc (09022015). Collection method: clinical testing. Allele origin: germline.

Athena Diagnostics
Classification: Benign. Last evaluated: 2024-07-24. Review status: criteria provided, single submitter. Criteria: Athena Diagnostics Criteria. Collection method: clinical testing. Allele origin: unknown.

ARUP Laboratories, Molecular Genetics and Genomics, ARUP Laboratories
Classification: Benign for Charcot-Marie-Tooth disease type 4H. Last evaluated: 2023-09-20. Review status: criteria provided, single submitter. Criteria: ARUP Molecular Germline Variant Investigation Process 2024. Collection method: clinical testing. Allele origin: germline.

Mayo Clinic Laboratories, Mayo Clinic
Classification: Benign. Last evaluated: 2018-04-04. Review status: criteria provided, single submitter. Criteria: ACMG Guidelines, 2015. Collection method: clinical testing. Allele origin: germline. Observed: 8 variant alleles.

Illumina Laboratory Services, Illumina
Classification: Likely benign for Charcot-Marie-Tooth disease type 4H. Last evaluated: 2017-04-27. Review status: criteria provided, single submitter. Criteria: ICSL Variant Classification Criteria 13 December 2019. Collection method: clinical testing. Allele origin: germline.
Comment: This variant was observed as part of a predisposition screen in an ostensibly healthy population. A literature search was performed for the gene, cDNA change, and amino acid change (where applicable). No publications were found based on this search. Allele frequency data from public databases allowed determination this variant is unlikely to cause disease. Therefore, this variant is classified as likely benign.

GeneDx
Classification: Benign. Last evaluated: 2015-06-18. Review status: criteria provided, single submitter. Criteria: GeneDx Variant Classification (06012015). Collection method: clinical testing. Allele origin: germline. Affected: yes.
Comment: This variant is considered likely benign or benign based on one or more of the following criteria: it is a conservative change, it occurs at a poorly conserved position in the protein, it is predicted to be benign by multiple in silico algorithms, and/or has population frequency not consistent with disease.

Breakthrough Genomics
Classification: Likely benign. Review status: criteria provided, single submitter. Criteria: ACMG Guidelines, 2015. Collection method: not provided. Allele origin: germline. Inheritance: Autosomal recessive inheritance. Affected: yes.

Molecular Genetics Laboratory, London Health Sciences Centre
Classification: Benign for Charcot-Marie-Tooth disease. Review status: criteria provided, single submitter. Criteria: ACMG Guidelines, 2015. Collection method: clinical testing. Allele origin: germline. Affected: yes.